The following is an entry in ClinVar:

NM_144687.4(NLRP12):c.2015C>T (p.Ala672Val)

Gene: NLRP12 (NLR family pyrin domain containing 12; minus strand). Cytogenetic location: 19q13.42.
Variant type: single nucleotide variant.
Coding change: c.2015C>T on transcript NM_144687.4 (MANE Select); coding-DNA position 2015, C replaced by T.
Protein change: p.Ala672Val; replaces alanine 672 with valine.
Molecular consequence: missense variant.
Genome position (GRCh38, 1-based): chr19:53,809,644, G>A on the plus strand (C>T on the coding strand, the complement: NLRP12 is on the minus strand). VCF-style: chr19-53809644-G-A. GRCh37 (hg19) VCF-style: chr19-54312898-G-A.
Other names: c.2015C>T, p.Ala672Val (NM_001277126.2, NM_001277129.1); short protein forms A672V.
Identifiers: ClinVar variation 1694402 (VCV001694402.26), dbSNP rs376751517, ClinGen allele CA9639295.
Genomic context (GRCh38, chr19:53,809,644, plus strand): 5'-TACAGCTGCACCAACAGCGTGTGCGCTCCTGCGGAGCACCTCGCGCGGTCTTCCCCGTCC[G>A]CGCTGTAGGTGGCGCCATACAAGTGCAGCACCTGGGCGCTCCTGCAGCGCTTCAGACAGA-3'
Protein context (NP_653288.1, residues 662-682): VLHLYGATYS[Ala672Val]DGEDRARCSA

ClinVar aggregate classification (germline): Uncertain significance. Review status: criteria provided, multiple submitters, no conflicts (2 of 4 stars). 3 submissions from 3 submitters: Uncertain significance (3). Last evaluated 2024-04-01.

Conditions:
Autoinflammatory syndrome. Identifiers: Orphanet 93665, MedGen C3890737, MONDO:0019751.
Familial cold autoinflammatory syndrome 2 (FCAS2). Identifiers: Orphanet 247868, MedGen C2673198, MONDO:0012724, OMIM 611762.

Allele frequency attached by ClinVar (database versions not stated): gnomAD exomes 0.00001; ExAC 0.00002; gnomAD 0.00003 and 0.00004; TOPMed 0.00005.
gnomAD v4.1: 23 of 1,612,992 alleles (0.0014%); highest among the groups gnomAD compares: African/African-American, 0.012%; no homozygotes.

Submissions (3):

CeGaT Center for Human Genetics Tuebingen
Classification: Uncertain significance. Last evaluated: 2024-04-01. Review status: criteria provided, single submitter. Criteria: CeGaT Center For Human Genetics Tuebingen Variant Classification Criteria Version 2. Collection method: clinical testing. Allele origin: germline. Affected: yes. Observed: 1 variant allele.

Labcorp Genetics (formerly Invitae), Labcorp
Classification: Uncertain significance for Familial cold autoinflammatory syndrome 2. Last evaluated: 2024-03-31. Review status: criteria provided, single submitter. Criteria: Invitae Variant Classification Sherloc (09022015). Collection method: clinical testing. Allele origin: germline.
Comment: This sequence change replaces alanine, which is neutral and non-polar, with valine, which is neutral and non-polar, at codon 672 of the NLRP12 protein (p.Ala672Val). This variant is present in population databases (rs376751517, gnomAD 0.01%). This variant has not been reported in the literature in individuals affected with NLRP12-related conditions. ClinVar contains an entry for this variant (Variation ID: 1694402). Advanced modeling of protein sequence and biophysical properties (such as structural, functional, and spatial information, amino acid conservation, physicochemical variation, residue mobility, and thermodynamic stability) performed at Invitae indicates that this missense variant is not expected to disrupt NLRP12 protein function with a negative predictive value of 80%. In summary, the available evidence is currently insufficient to determine the role of this variant in disease. Therefore, it has been classified as a Variant of Uncertain Significance.

Genome Diagnostics Laboratory, The Hospital for Sick Children
Classification: Uncertain significance for Autoinflammatory syndrome. Last evaluated: 2021-06-24. Review status: criteria provided, single submitter. Criteria: ACMG Guidelines, 2015. Collection method: clinical testing. Allele origin: germline. Affected: yes.